The following is an entry in ClinVar:

NM_001754.5(RUNX1):c.58+12C>T

Gene: RUNX1 (RUNX family transcription factor 1; minus strand). Cytogenetic location: 21q22.12.
Variant type: single nucleotide variant.
Coding change: c.58+12C>T on transcript NM_001754.5 (MANE Select); 12 bases into the intron after coding-DNA position 58, C replaced by T.
Molecular consequence: intron variant.
Genome position (GRCh38, 1-based): chr21:35,048,830, G>A on the plus strand (C>T on the coding strand, the complement: RUNX1 is on the minus strand). VCF-style: chr21-35048830-G-A. GRCh37 (hg19) VCF-style: chr21-36421127-G-A.
Identifiers: ClinVar variation 1602756 (VCV001602756.11), dbSNP rs1323454260, ClinGen allele CA637749749.

ClinVar aggregate classification (germline): Likely benign. Review status: reviewed by expert panel (3 of 4 stars). 2 submissions from 2 submitters: Likely benign (1). 1 of the submissions does not count toward it. Last evaluated 2026-05-04.

Conditions:
Hereditary thrombocytopenia and hematologic cancer predisposition syndrome. Identifiers: Orphanet 71290, MedGen CN281654, MONDO:0011071.
Hereditary thrombocytopenia and hematological cancer predisposition syndrome associated with RUNX1. Also called: RUNX1 Familial Platelet Disorder with Associated Myeloid Malignancies; Familial Platelet Disorder with Propensity to Acute Myelogenous Leukemia; Familial thrombocytopenia with propensity to acute myelogenous leukemia; PLATELET DISORDER, ASPIRIN-LIKE. Identifiers: Orphanet 71290, MedGen C1832388, MeSH C563324, MONDO:0100083, OMIM 601399.

gnomAD v4.1: 5 of 1,607,674 alleles (0.00031%); highest among the groups gnomAD compares: South Asian, 0.0011%; no homozygotes.

Submissions (2):

ClinGen Myeloid Malignancy Variant Curation Expert Panel
Classification: Likely benign for Hereditary thrombocytopenia and hematologic cancer predisposition syndrome. Last evaluated: 2026-05-04. Review status: reviewed by expert panel. Criteria: ClinGen MyeloMalig ACMG Specifications V3.1. Collection method: curation. Allele origin: germline. Inheritance: Autosomal dominant inheritance.
Comment: NM_001754.5(RUNX1):c.58+12C>T is an intronic variant which has a MAF ≤ 0.00005 in gnomAD v4 across all subpopulations with at least 20x coverage for RUNX1 (PM2_supporting) and has a SpliceAI score ≤ 0.20 (0.0) (BP4, BP7). In summary, this variant meets criteria to be classified as likely benign. ACMG/AMP criteria applied, as specified by the Myeloid Malignancy Variant Curation Expert Panel for RUNX1: PM2_supporting, BP4, BP7.

Labcorp Genetics (formerly Invitae), Labcorp
Classification: Likely benign for Hereditary thrombocytopenia and hematological cancer predisposition syndrome associated with RUNX1. Last evaluated: 2021-09-04. Review status: criteria provided, single submitter. Criteria: Invitae Variant Classification Sherloc (09022015). Collection method: clinical testing. Allele origin: germline. Not counted in ClinVar's aggregate classification.